The following is an entry in ClinVar:

ClinVar aggregate classification (germline): Uncertain significance. Review status: criteria provided, multiple submitters, no conflicts (2 of 4 stars). 2 submissions from 2 submitters: Uncertain significance (2). Last evaluated 2024-11-23.

Conditions:
Cenani-Lenz syndactyly syndrome. Also called: CENANI SYNDACTYLISM; SYNDACTYLY, TYPE VII. Identifiers: Orphanet 3258, MedGen C1859309, MONDO:0008931, OMIM 212780.
Sclerosteosis 2 (SOST2). Identifiers: Orphanet 3152, MedGen C3280402, MONDO:0013679, OMIM 614305.
Congenital myasthenic syndrome 17. Identifiers: Orphanet 590, MedGen C4225377, MONDO:0014578, OMIM 616304.
Inborn genetic diseases. Identifiers: MedGen C0950123, MeSH D030342.

Allele frequency attached by ClinVar (database versions not stated): gnomAD 0.00002; gnomAD exomes 0.00003; ExAC 0.00004; TOPMed 0.00004.
gnomAD v4.1: 48 of 1,614,080 alleles (0.003%); highest among the groups gnomAD compares: East Asian, 0.02%; no homozygotes.

Submissions (2):

Labcorp Genetics (formerly Invitae), Labcorp
Classification: Uncertain significance for Cenani-Lenz syndactyly syndrome; Sclerosteosis 2; Congenital myasthenic syndrome 17. Last evaluated: 2024-11-23. Review status: criteria provided, single submitter. Criteria: Invitae Variant Classification Sherloc (09022015). Collection method: clinical testing. Allele origin: germline.
Comment: This sequence change replaces arginine, which is basic and polar, with histidine, which is basic and polar, at codon 998 of the LRP4 protein (p.Arg998His). This variant is present in population databases (rs746964729, gnomAD 0.03%). This variant has not been reported in the literature in individuals affected with LRP4-related conditions. ClinVar contains an entry for this variant (Variation ID: 3120296). Invitae Evidence Modeling of protein sequence and biophysical properties (such as structural, functional, and spatial information, amino acid conservation, physicochemical variation, residue mobility, and thermodynamic stability) indicates that this missense variant is not expected to disrupt LRP4 protein function with a negative predictive value of 80%. In summary, the available evidence is currently insufficient to determine the role of this variant in disease. Therefore, it has been classified as a Variant of Uncertain Significance.

Ambry Genetics
Classification: Uncertain significance for Inborn genetic diseases. Last evaluated: 2024-01-02. Review status: criteria provided, single submitter. Criteria: Ambry Variant Classification Scheme 2023. Collection method: clinical testing. Allele origin: germline.

NM_002334.4(LRP4):c.2993G>A (p.Arg998His)

Gene: LRP4 (LDL receptor related protein 4; minus strand). Cytogenetic location: 11p11.2.
Variant type: single nucleotide variant.
Coding change: c.2993G>A on transcript NM_002334.4 (MANE Select); coding-DNA position 2993, G replaced by A.
Protein change: p.Arg998His; replaces arginine 998 with histidine.
Molecular consequence: missense variant.
Genome position (GRCh38, 1-based): chr11:46,879,137, C>T on the plus strand (G>A on the coding strand, the complement: LRP4 is on the minus strand). VCF-style: chr11-46879137-C-T. GRCh37 (hg19) VCF-style: chr11-46900688-C-T.
Other names: short protein forms R998H.
Identifiers: ClinVar variation 3120296 (VCV003120296.2), dbSNP rs746964729, ClinGen allele CA5969739.